The following is an entry in ClinVar:

ClinVar aggregate classification (germline): Uncertain significance (1 of 4 stars; one submission).

Submission:

Labcorp Genetics (formerly Invitae), Labcorp
Classification: Uncertain significance. Last evaluated: 2022-06-01. Review status: criteria provided, single submitter. Criteria: Invitae Variant Classification Sherloc (09022015). Collection method: clinical testing. Allele origin: germline.
Comment: This sequence change falls in intron 35 of the SPEG gene. It does not directly change the encoded amino acid sequence of the SPEG protein. This variant is present in population databases (no rsID available, gnomAD 0.0009%). This variant has not been reported in the literature in individuals affected with SPEG-related conditions. Algorithms developed to predict the effect of sequence changes on RNA splicing suggest that this variant may disrupt the consensus splice site. In summary, the available evidence is currently insufficient to determine the role of this variant in disease. Therefore, it has been classified as a Variant of Uncertain Significance.

NM_005876.5(SPEG):c.8318-14TC[3]

Genes: ASIC4-AS1 (ASIC4 antisense RNA 1; minus strand), SPEG (striated muscle enriched protein kinase; plus strand). Cytogenetic location: 2q35.
Variant type: Microsatellite.
Coding change: c.8318-14TC[3] on transcript NM_005876.5 (MANE Select); three copies in a row of the 2-base unit TC starting at c.8318-14.
Molecular consequence: intron variant.
Genome position: GRCh38 VCF-style: chr2-219489321-TTCTC-T. GRCh37 (hg19) VCF-style: chr2-220354043-TTCTC-T.
Identifiers: ClinVar variation 1436424 (VCV001436424.6), dbSNP rs776266238, ClinGen allele CA539843496.